The following is an entry in ClinVar:

ClinVar aggregate classification (germline): Uncertain significance (1 of 4 stars; one submission).

Conditions:
Hereditary cancer-predisposing syndrome. Also called: Tumor predisposition; Hereditary Cancer Syndrome; Neoplastic Syndromes, Hereditary; Hereditary neoplastic syndrome. Identifiers: Orphanet 140162, MedGen C0027672, MeSH D009386, MONDO:0015356.

Submission:

Ambry Genetics
Classification: Uncertain significance for Hereditary cancer-predisposing syndrome. Last evaluated: 2024-08-13. Review status: criteria provided, single submitter. Criteria: Ambry Variant Classification Scheme 2023. Collection method: clinical testing. Allele origin: germline.
Comment: The c.8586T>A variant (also known as p.V2862V), located in coding exon 58 of the ATM gene, results from a T to A substitution at nucleotide position 8586. This nucleotide substitution does not change the valine at codon 2862. This nucleotide position is not well conserved in available vertebrate species. In silico splice site analysis predicts that this alteration will result in the creation or strengthening of a novel splice acceptor site. Since supporting evidence is limited at this time, the clinical significance of this variant remains unclear.

NM_000051.4(ATM):c.8586T>A (p.Val2862=)

Genes: C11orf65 (chromosome 11 open reading frame 65; minus strand), ATM (ATM serine/threonine kinase; plus strand). Cytogenetic location: 11q22.3.
Variant type: single nucleotide variant.
Coding change: c.8586T>A on transcript NM_000051.4 (MANE Select); coding-DNA position 8586, T replaced by A.
Protein change: p.Val2862=; no amino-acid change (valine 2862 retained).
Molecular consequence: synonymous variant. On other transcripts: intron variant (2).
Genome position (GRCh38, 1-based): chr11:108,347,280, T>A. VCF-style: chr11-108347280-T-A. GRCh37 (hg19) VCF-style: chr11-108218007-T-A.
Other names: c.8586T>A, p.Val2862= (NM_001351834.2); c.641-38209A>T (NM_001330368.2); c.695-11988A>T (NM_001351110.2).
Identifiers: ClinVar variation 3450392 (VCV003450392.1).
Genomic context (GRCh38, chr11:108,347,280, plus strand): 5'-TATATATTAGAAAGAGATGGAATCAGTGATTTCAGATTGTTTGTTTCTTTTTTCTCCAGT[T>A]GGTTACATACTTGGACTTGGTGATAGACATGTACAGAATATCTTGATAAATGAGCAGTCA-3'
Protein context (NP_000042.3, residues 2852-2872): YTRSVATSSI[Val2862=]GYILGLGDRH